The following is an entry in ClinVar:

NM_001987.5(ETV6):c.62A>G (p.Glu21Gly)

Gene: ETV6 (ETS variant transcription factor 6; plus strand). Cytogenetic location: 12p13.2.
Variant type: single nucleotide variant.
Coding change: c.62A>G on transcript NM_001987.5 (MANE Select); coding-DNA position 62, A replaced by G.
Protein change: p.Glu21Gly; replaces glutamic acid 21 with glycine.
Molecular consequence: missense variant. On other transcripts: intron variant (1).
Genome position (GRCh38, 1-based): chr12:11,752,478, A>G. VCF-style: chr12-11752478-A-G. GRCh37 (hg19) VCF-style: chr12-11905412-A-G.
Other names: c.59A>G, p.Glu20Gly (NM_001413913.1); c.35A>G, p.Glu12Gly (NM_001413914.1); c.62A>G, p.Glu21Gly (NM_001413916.1, NM_001413917.1, NM_001413918.1); c.-101-86662A>G (NM_001413915.1); short protein forms E12G, E20G, E21G.
Identifiers: ClinVar variation 2662898 (VCV002662898.3), dbSNP rs139212214, ClinGen allele CA6454101.

ClinVar aggregate classification (germline): Uncertain significance. Review status: criteria provided, multiple submitters, no conflicts (2 of 4 stars). 2 submissions from 2 submitters: Uncertain significance (2). Last evaluated 2025-09-10.

Allele frequency attached by ClinVar (database versions not stated): ExAC 0.00002; gnomAD 0.00002; ESP Exome Variant Server 0.00008.
gnomAD v4.1: 8 of 1,613,654 alleles (0.0005%); highest among the groups gnomAD compares: African/African-American, 0.011%; no homozygotes.

Submissions (2):

Labcorp Genetics (formerly Invitae), Labcorp
Classification: Uncertain significance. Last evaluated: 2025-09-10. Review status: criteria provided, single submitter. Criteria: Invitae Variant Classification Sherloc (09022015). Collection method: clinical testing. Allele origin: germline.
Comment: This sequence change replaces glutamic acid, which is acidic and polar, with glycine, which is neutral and non-polar, at codon 21 of the ETV6 protein (p.Glu21Gly). This variant is present in population databases (rs139212214, gnomAD 0.01%). This variant has not been reported in the literature in individuals affected with ETV6-related conditions. ClinVar contains an entry for this variant (Variation ID: 2662898). An algorithm developed to predict the effect of missense changes on protein structure and function (PolyPhen-2) suggests that this variant is likely to be tolerated. In summary, the available evidence is currently insufficient to determine the role of this variant in disease. Therefore, it has been classified as a Variant of Uncertain Significance.

GeneDx
Classification: Uncertain significance. Last evaluated: 2023-04-24. Review status: criteria provided, single submitter. Criteria: GeneDx Variant Classification Process June 2021. Collection method: clinical testing. Allele origin: germline. Affected: yes.
Comment: Not observed at significant frequency in large population cohorts (gnomAD); In silico analysis supports that this missense variant does not alter protein structure/function; Has not been previously published as pathogenic or benign to our knowledge